The following is an entry in ClinVar:

ClinVar aggregate classification (germline): Conflicting classifications of pathogenicity. Review status: criteria provided, conflicting classifications (1 of 4 stars). 5 submissions from 5 submitters: Uncertain significance (1); Likely benign (4). Last evaluated 2025-10-21.

Conditions:
Primary ciliary dyskinesia. Also called: Ciliary dyskinesia. Identifiers: Orphanet 244, MedGen C0008780, MONDO:0016575, HP:0012265.
Primary ciliary dyskinesia 3. Identifiers: Orphanet 244, MedGen C1837618, MONDO:0012085, OMIM 608644.

Allele frequency attached by ClinVar (database versions not stated): gnomAD exomes 0.00014 and 0.00038; ExAC 0.00043; 1000 Genomes Project 30x 0.00062; gnomAD 0.00078 and 0.00086; 1000 Genomes Project 0.00080; TOPMed 0.00101; ESP Exome Variant Server 0.00108.
gnomAD v4.1: 335 of 1,614,102 alleles (0.021%); highest among the groups gnomAD compares: African/African-American, 0.21%; 1 homozygote.

Submissions (5):

Labcorp Genetics (formerly Invitae), Labcorp
Classification: Likely benign for Primary ciliary dyskinesia. Last evaluated: 2025-10-21. Review status: criteria provided, single submitter. Criteria: Invitae Variant Classification Sherloc (09022015). Collection method: clinical testing. Allele origin: germline.

Blueprint Genetics
Classification: Likely benign. Last evaluated: 2024-10-09. Review status: criteria provided, single submitter. Criteria: ACMG Guidelines, 2015. Collection method: clinical testing. Allele origin: germline.

CeGaT Center for Human Genetics Tuebingen
Classification: Likely benign. Last evaluated: 2022-12-01. Review status: criteria provided, single submitter. Criteria: CeGaT Center For Human Genetics Tuebingen Variant Classification Criteria Version 2. Collection method: clinical testing. Allele origin: germline. Affected: yes. Observed: 1 variant allele.
Comment: DNAH5: BP4, BP7

Illumina Laboratory Services, Illumina
Classification: Uncertain significance for Primary ciliary dyskinesia 3. Last evaluated: 2018-01-12. Review status: criteria provided, single submitter. Criteria: ICSL Variant Classification Criteria 13 December 2019. Collection method: clinical testing. Allele origin: germline.

Ambry Genetics
Classification: Likely benign for Primary ciliary dyskinesia. Last evaluated: 2016-07-09. Review status: criteria provided, single submitter. Criteria: Ambry Variant Classification Scheme 2023. Collection method: clinical testing. Allele origin: germline.

NM_001369.3(DNAH5):c.342C>T (p.Phe114=)

Gene: DNAH5 (dynein axonemal heavy chain 5; minus strand). Cytogenetic location: 5p15.2.
Variant type: single nucleotide variant.
Coding change: c.342C>T on transcript NM_001369.3 (MANE Select); coding-DNA position 342, C replaced by T.
Protein change: p.Phe114=; no amino-acid change (phenylalanine 114 retained).
Molecular consequence: synonymous variant.
Genome position (GRCh38, 1-based): chr5:13,923,376, G>A on the plus strand (C>T on the coding strand, the complement: DNAH5 is on the minus strand). VCF-style: chr5-13923376-G-A. GRCh37 (hg19) VCF-style: chr5-13923485-G-A.
Identifiers: ClinVar variation 454765 (VCV000454765.43), dbSNP rs145920072, ClinGen allele CA3205210.
Genomic context (GRCh38, chr5:13,923,376, plus strand): 5'-GTCAGTCCTGATGAAGAACACACATACCCCAGTAAGAGCCACATCGTTTCCCTCGGTCAC[G>A]AACACCTTAGGTTTTTTAATCTTTCCAGAAACAAGATTTACCCCTCCTAGAGAGCCAAGT-3'
Protein context (NP_001360.1, residues 104-124): VSGKIKKPKV[Phe114=]VTEGNDVALT